The following is an entry in ClinVar:

ClinVar aggregate classification (germline): Likely benign (1 of 4 stars; one submission).

Conditions:
PPARG-related disorder. Also called: PPARG-related disorders; PPARG-related condition.

Submission:

PreventionGenetics, part of Exact Sciences
Classification: Likely benign for PPARG-related condition. Last evaluated: 2025-01-02. Review status: criteria provided, single submitter. Criteria: ACMG Guidelines, 2015. Collection method: clinical testing. Allele origin: germline.
Comment: This variant is classified as likely benign based on ACMG/AMP sequence variant interpretation guidelines (Richards et al. 2015 PMID: 25741868, with internal and published modifications).

NM_138711.6(PPARG):c.9C>T (p.Asp3=)

Gene: PPARG (peroxisome proliferator activated receptor gamma; plus strand). Cytogenetic location: 3p25.2.
Variant type: single nucleotide variant.
Coding change: c.9C>T on transcript NM_138711.6 (MANE Select); coding-DNA position 9, C replaced by T.
Protein change: p.Asp3=; no amino-acid change (aspartic acid 3 retained).
Molecular consequence: synonymous variant. On other transcripts: 5 prime UTR variant (1).
Genome position (GRCh38, 1-based): chr3:12,379,720, C>T. VCF-style: chr3-12379720-C-T. GRCh37 (hg19) VCF-style: chr3-12421219-C-T.
Other names: c.9C>T, p.Asp3= (NM_001330615.4, NM_001354666.3, NM_001354667.3 and 6 more transcripts); c.99C>T, p.Asp33= (NM_001354668.2, NM_001374265.1, NM_015869.5); c.-419C>T (NM_001354669.2); c.15C>T, p.Asp5= (NM_001354670.2, NM_001374266.1).
Identifiers: ClinVar variation 5001449 (VCV005001449.1).